The following is an entry in ClinVar:

NM_001199799.2(ILDR1):c.166G>A (p.Val56Met)

Gene: ILDR1 (immunoglobulin like domain containing receptor 1; minus strand). Cytogenetic location: 3q13.33.
Variant type: single nucleotide variant.
Coding change: c.166G>A on transcript NM_001199799.2 (MANE Select); coding-DNA position 166, G replaced by A.
Protein change: p.Val56Met; replaces valine 56 with methionine.
Molecular consequence: missense variant.
Genome position (GRCh38, 1-based): chr3:122,007,054, C>T on the plus strand (G>A on the coding strand, the complement: ILDR1 is on the minus strand). VCF-style: chr3-122007054-C-T. GRCh37 (hg19) VCF-style: chr3-121725901-C-T.
Other names: c.166G>A, p.Val56Met (NM_001199800.2, NM_175924.4); c.166G>A (NM_001199799.1); short protein forms V56M.
Identifiers: ClinVar variation 2084722 (VCV002084722.2), dbSNP rs764591815, ClinGen allele CA2569031.

ClinVar aggregate classification (germline): Uncertain significance. Review status: criteria provided, multiple submitters, no conflicts (2 of 4 stars). 2 submissions from 2 submitters: Uncertain significance (2). Last evaluated 2025-02-22.

Conditions:
Inborn genetic diseases. Identifiers: MedGen C0950123, MeSH D030342.

Allele frequency attached by ClinVar (database versions not stated): ExAC 0.00001; gnomAD exomes 0.00002; gnomAD 0.00004; TOPMed 0.00004.
gnomAD v4.1: 43 of 1,613,938 alleles (0.0027%); highest among the groups gnomAD compares: African/African-American, 0.008%; no homozygotes.

Submissions (2):

Ambry Genetics
Classification: Uncertain significance for Inborn genetic diseases. Last evaluated: 2025-02-22. Review status: criteria provided, single submitter. Criteria: Ambry Variant Classification Scheme 2023. Collection method: clinical testing. Allele origin: germline.

Labcorp Genetics (formerly Invitae), Labcorp
Classification: Uncertain significance. Last evaluated: 2022-04-10. Review status: criteria provided, single submitter. Criteria: Invitae Variant Classification Sherloc (09022015). Collection method: clinical testing. Allele origin: germline.
Comment: This sequence change replaces valine, which is neutral and non-polar, with methionine, which is neutral and non-polar, at codon 56 of the ILDR1 protein (p.Val56Met). This variant is present in population databases (rs764591815, gnomAD 0.008%). This variant has not been reported in the literature in individuals affected with ILDR1-related conditions. Algorithms developed to predict the effect of missense changes on protein structure and function are either unavailable or do not agree on the potential impact of this missense change (SIFT: "Deleterious"; PolyPhen-2: "Probably Damaging"; Align-GVGD: "Class C0"). In summary, the available evidence is currently insufficient to determine the role of this variant in disease. Therefore, it has been classified as a Variant of Uncertain Significance.